The following is an entry in ClinVar:

NC_000012.12:g.120978483T>G

Gene: HNF1A (HNF1 homeobox A; plus strand). Cytogenetic location: 12q24.31.
Variant type: single nucleotide variant.
Genome position: GRCh38 VCF-style: chr12-120978483-T-G. GRCh37 (hg19) VCF-style: chr12-121416286-T-G.
Identifiers: ClinVar variation 4057166 (VCV004057166.2).

ClinVar aggregate classification (germline): Uncertain significance. Review status: criteria provided, multiple submitters, no conflicts (2 of 4 stars). 2 submissions from 2 submitters: Uncertain significance (2). Last evaluated 2025-11-23.

Submissions (2):

Labcorp Genetics (formerly Invitae), Labcorp
Classification: Uncertain significance. Last evaluated: 2025-11-23. Review status: criteria provided, single submitter. Criteria: Invitae Variant Classification Sherloc (09022015). Collection method: clinical testing. Allele origin: germline.
Comment: This variant occurs in a non-coding region of the HNF1A gene. It does not change the encoded amino acid sequence of the HNF1A protein. This variant is not present in population databases (gnomAD no frequency). This variant has not been reported in the literature in individuals affected with HNF1A-related conditions. Experimental studies and prediction algorithms are not available or were not evaluated, and the functional significance of this variant is currently unknown. In summary, the available evidence is currently insufficient to determine the role of this variant in disease. Therefore, it has been classified as a Variant of Uncertain Significance.

GeneDx
Classification: Uncertain significance. Last evaluated: 2025-01-14. Review status: criteria provided, single submitter. Criteria: GeneDx Variant Classification Process June 2021. Collection method: clinical testing. Allele origin: germline. Affected: yes.
Comment: Has not been previously published as pathogenic or benign to our knowledge; No data available from control populations to assess the frequency of this variant; Located in a regulatory region; in the absence of functional studies, the actual effect of this sequence change is unknown